The following is an entry in ClinVar:

NM_001999.4(FBN2):c.7202G>A (p.Ser2401Asn)

Gene: FBN2 (fibrillin 2; minus strand). Cytogenetic location: 5q23.3.
Variant type: single nucleotide variant.
Coding change: c.7202G>A on transcript NM_001999.4 (MANE Select); coding-DNA position 7202, G replaced by A.
Protein change: p.Ser2401Asn; replaces serine 2401 with asparagine.
Molecular consequence: missense variant.
Genome position (GRCh38, 1-based): chr5:128,278,778, C>T on the plus strand (G>A on the coding strand, the complement: FBN2 is on the minus strand). VCF-style: chr5-128278778-C-T. GRCh37 (hg19) VCF-style: chr5-127614470-C-T.
Other names: short protein forms S2401N.
Identifiers: ClinVar variation 451727 (VCV000451727.6), dbSNP rs758124873, ClinGen allele CA3394180.

ClinVar aggregate classification (germline): Conflicting classifications of pathogenicity. Review status: criteria provided, conflicting classifications (1 of 4 stars). 3 submissions from 3 submitters: Uncertain significance (2); Benign (1). Last evaluated 2026-02-23.

Conditions:
Congenital contractural arachnodactyly (CCA). Also called: BEALS SYNDROME; Beals-Hecht syndrome; Arthrogryposis, distal, type 9. Identifiers: Orphanet 115, MedGen C0220668, MONDO:0007363, OMIM 121050.

Allele frequency attached by ClinVar (database versions not stated): ExAC 0.00002; TOPMed below 0.00001; gnomAD 0.00001; gnomAD exomes 0.00001.
gnomAD v4.1: 5 of 1,613,994 alleles (0.00031%); highest among the groups gnomAD compares: East Asian, 0.0022%; no homozygotes.

Submissions (3):

Women's Health and Genetics/Laboratory Corporation of America, LabCorp
Classification: Uncertain significance. Last evaluated: 2026-02-23. Review status: criteria provided, single submitter. Criteria: LabCorp Variant Classification Summary - May 2015. Collection method: clinical testing. Allele origin: germline.
Comment: Variant summary: FBN2 c.7202G>A (p.Ser2401Asn) results in a conservative amino acid change located in the TB (transforming growth factor beta) repeat domain (IPR017878) of the encoded protein sequence. Algorithms developed to predict the effect of missense changes on protein structure and function are either unavailable or do not agree on the potential impact of this missense change. The variant allele was found at a frequency of 3.1e-06 in 1607000 control chromosomes (gnomAD). The available data on variant occurrences in the general population are insufficient to allow clear conclusions about variant significance. c.7202G>A has been observed in individuals affected with non-FBN2 related phenotypes (i.e. in a hypertrophic cardiomyopathy cohort) (Tobita_2018). These report(s) do not provide unequivocal conclusions about association of the variant with FBN2-related disorders. To our knowledge, no experimental evidence demonstrating an impact on protein function has been reported. However, sequence comparison with other vertebrate species indicates this missense change is phylogenetically not constrained (e.g. PMID 29358731). The following publication has been ascertained in the context of this evaluation (PMID: 29386531). ClinVar contains an entry for this variant (Variation ID: 451727). Based on the evidence outlined above, the variant was classified as VUS-possibly benign.

Labcorp Genetics (formerly Invitae), Labcorp
Classification: Benign for Congenital contractural arachnodactyly. Last evaluated: 2024-03-13. Review status: criteria provided, single submitter. Criteria: Invitae Variant Classification Sherloc (09022015). Collection method: clinical testing. Allele origin: germline.

GeneDx
Classification: Uncertain significance. Last evaluated: 2017-08-30. Review status: criteria provided, single submitter. Criteria: GeneDx Variant Classification (06012015). Collection method: clinical testing. Allele origin: germline. Affected: yes.
Comment: A variant of uncertain significance has been identified in the FBN2 gene. The S2401N variant has not been published as pathogenic or been reported as benign to our knowledge. The S2401N variant is not observed at a significant frequency in large population cohorts (Lek et al., 2016; 1000 Genomes Consortium et al., 2015; Exome Variant Server). The S2401N variant is a conservative amino acid substitution, which is not likely to impact secondary protein structure as these residues share similar properties. This substitution occurs at a position where amino acids with similar properties to serine (S) are tolerated across species, and asparagine (N) is the wild-type amino acid at this position in multiple species. Furthermore, the S2401N variant does not affect a cysteine residue within a calcium-binding EGF-like domain of the FBN2 gene. Cysteine substitutions in the calcium-binding EGF-like domains represent the majority of pathogenic missense changes associated with congenital arachnodactyly (Collod-Beroud et al., 2003; FrÃ©dÃ©ric et al., 2009). Nevertheless, in silico analysis is inconsistent in its predictions as to whether or not the variant is damaging to the protein structure/function.

Literature cited by the submitters: PubMed 29386531 (cited by Women's Health and Genetics/Laboratory Corporation of America, LabCorp).